The following is an entry in ClinVar:

NM_003049.4(SLC10A1):c.111C>T (p.Phe37=)

Gene: SLC10A1 (solute carrier family 10 member 1; minus strand). Cytogenetic location: 14q24.1.
Variant type: single nucleotide variant.
Coding change: c.111C>T on transcript NM_003049.4 (MANE Select); coding-DNA position 111, C replaced by T.
Protein change: p.Phe37=; no amino-acid change (phenylalanine 37 retained).
Molecular consequence: synonymous variant.
Genome position (GRCh38, 1-based): chr14:69,797,045, G>A on the plus strand (C>T on the coding strand, the complement: SLC10A1 is on the minus strand). VCF-style: chr14-69797045-G-A. GRCh37 (hg19) VCF-style: chr14-70263762-G-A.
Other names: p.Phe37=.
Identifiers: ClinVar variation 4683896 (VCV004683896.1).
Genomic context (GRCh38, chr14:69,797,045, plus strand): 5'-CTTCCATAAGTGAGCCTTGATCTTGCTGAACTCCATGGTGCAGCCCAGCGAGAGCATGAT[G>A]AAGAACAACATGAACACCAGGATGACGCTCAGTGCCAGGTCTGTGGGGCGCTTGCCAAAG-3'
Protein context (NP_003040.1, residues 27-47): LSVILVFMLF[Phe37=]IMLSLGCTME

ClinVar aggregate classification (germline): Benign (1 of 4 stars; one submission).

gnomAD v4.1: 1,357 of 1,614,192 alleles (0.084%); highest among the groups gnomAD compares: South Asian, 1.4%; 24 homozygotes.

Submission:

Mayo Clinic Laboratories, Mayo Clinic
Classification: Benign. Last evaluated: 2024-10-21. Review status: criteria provided, single submitter. Criteria: ACMG Guidelines, 2015. Collection method: clinical testing. Allele origin: germline. Observed: 1 variant allele.
Comment: BA1